The following is an entry in ClinVar:

NM_001376.5(DYNC1H1):c.12010A>G (p.Met4004Val)

Gene: DYNC1H1 (dynein cytoplasmic 1 heavy chain 1; plus strand). Cytogenetic location: 14q32.31.
Variant type: single nucleotide variant.
Coding change: c.12010A>G on transcript NM_001376.5 (MANE Select); coding-DNA position 12010, A replaced by G.
Protein change: p.Met4004Val; replaces methionine 4004 with valine.
Molecular consequence: missense variant.
Genome position (GRCh38, 1-based): chr14:102,041,642, A>G. VCF-style: chr14-102041642-A-G. GRCh37 (hg19) VCF-style: chr14-102507979-A-G.
Other names: short protein forms M4004V.
Identifiers: ClinVar variation 3630279 (VCV003630279.2).

ClinVar aggregate classification (germline): Uncertain significance (1 of 4 stars; one submission).

Conditions:
Charcot-Marie-Tooth disease axonal type 2O. Also called: Charcot-Marie-Tooth disease, axonal, type 20; CHARCOT-MARIE-TOOTH NEUROPATHY, AXONAL, TYPE 2O; CHARCOT-MARIE-TOOTH DISEASE, AXONAL, AUTOSOMAL DOMINANT, TYPE 2O; Charcot-Marie-Tooth Neuropathy Type 2O. Identifiers: Orphanet 284232, MedGen C3280220, MONDO:0013644, OMIM 614228.

Submission:

Labcorp Genetics (formerly Invitae), Labcorp
Classification: Uncertain significance for Charcot-Marie-Tooth disease axonal type 2O. Last evaluated: 2024-05-28. Review status: criteria provided, single submitter. Criteria: Invitae Variant Classification Sherloc (09022015). Collection method: clinical testing. Allele origin: germline.
Comment: This sequence change replaces methionine, which is neutral and non-polar, with valine, which is neutral and non-polar, at codon 4004 of the DYNC1H1 protein (p.Met4004Val). This variant is not present in population databases (gnomAD no frequency). This variant has not been reported in the literature in individuals affected with DYNC1H1-related conditions. Advanced modeling of protein sequence and biophysical properties (such as structural, functional, and spatial information, amino acid conservation, physicochemical variation, residue mobility, and thermodynamic stability) performed at Invitae indicates that this missense variant is not expected to disrupt DYNC1H1 protein function with a negative predictive value of 95%. In summary, the available evidence is currently insufficient to determine the role of this variant in disease. Therefore, it has been classified as a Variant of Uncertain Significance.